The following is an entry in ClinVar:

ClinVar aggregate classification (germline): Uncertain significance (1 of 4 stars; one submission).

Conditions:
Early-infantile DEE. Also called: Ohtahara syndrome; Early infantile epileptic encephalopathy with suppression bursts; Early infantile epileptic encephalopathy. Identifiers: Orphanet 1934, MedGen C0393706, MONDO:0800491.

Allele frequency attached by ClinVar (database versions not stated): TOPMed below 0.00001.

Submission:

Labcorp Genetics (formerly Invitae), Labcorp
Classification: Uncertain significance for Early-infantile DEE. Last evaluated: 2023-10-18. Review status: criteria provided, single submitter. Criteria: Invitae Variant Classification Sherloc (09022015). Collection method: clinical testing. Allele origin: germline.
Comment: This sequence change replaces arginine, which is basic and polar, with histidine, which is basic and polar, at codon 442 of the KCNQ2 protein (p.Arg442His). This variant is not present in population databases (gnomAD no frequency). This variant has not been reported in the literature in individuals affected with KCNQ2-related conditions. An algorithm developed to predict the effect of missense changes on protein structure and function (PolyPhen-2) suggests that this variant is likely to be disruptive. In summary, the available evidence is currently insufficient to determine the role of this variant in disease. Therefore, it has been classified as a Variant of Uncertain Significance.

NM_172107.4(KCNQ2):c.1325G>A (p.Arg442His)

Gene: KCNQ2 (potassium voltage-gated channel subfamily Q member 2; minus strand). Cytogenetic location: 20q13.33.
Variant type: single nucleotide variant.
Coding change: c.1325G>A on transcript NM_172107.4 (MANE Select); coding-DNA position 1325, G replaced by A.
Protein change: p.Arg442His; replaces arginine 442 with histidine.
Molecular consequence: missense variant. On other transcripts: intron variant (1).
Genome position (GRCh38, 1-based): chr20:63,415,103, C>T on the plus strand (G>A on the coding strand, the complement: KCNQ2 is on the minus strand). VCF-style: chr20-63415103-C-T. GRCh37 (hg19) VCF-style: chr20-62046456-C-T.
Other names: c.1271G>A, p.Arg424His (NM_001382235.1, NM_172106.3); c.1241G>A, p.Arg414His (NM_004518.6); c.1248-13G>A (NM_172108.5); short protein forms R424H, R414H, R442H.
Identifiers: ClinVar variation 2978734 (VCV002978734.3), dbSNP rs1262943594, ClinGen allele CA409646840.
Genomic context (GRCh38, chr20:63,415,103, plus strand): 5'-GTCTGGGCCTGCGGGGACCCCTTCCCCTTGGCAGCCACGCCTCGGGGGCTGGAGAAGACA[C>T]GATCTTTCAAACTGACCTTCTGGCTGCTCCCACGGGAACCGACAGACAGACAGAAAAACA-3'
Protein context (NP_742105.1, residues 432-452): RSSQKVSLKD[Arg442His]VFSSPRGVAA